The following is an entry in ClinVar:

ClinVar aggregate classification (germline): Uncertain significance. Review status: criteria provided, multiple submitters, no conflicts (2 of 4 stars). 2 submissions from 2 submitters: Uncertain significance (2). Last evaluated 2025-07-01.

Conditions:
Usher syndrome type 1 (USH1). Also called: RETINITIS PIGMENTOSA AND CONGENITAL DEAFNESS. Identifiers: Orphanet 231169, Orphanet 886, MedGen C1568247, MONDO:0010168, OMIM 276900.

gnomAD v4.1: 22 of 1,613,972 alleles (0.0014%); highest among the groups gnomAD compares: South Asian, 0.0066%; no homozygotes.

Submissions (2):

Women's Health and Genetics/Laboratory Corporation of America, LabCorp
Classification: Uncertain significance. Last evaluated: 2025-07-01. Review status: criteria provided, single submitter. Criteria: LabCorp Variant Classification Summary - May 2015. Collection method: clinical testing. Allele origin: germline.
Comment: Variant summary: CDH23 c.8401T>C (p.Phe2801Leu) results in a non-conservative amino acid change in the encoded protein sequence. Algorithms developed to predict the effect of missense changes on protein structure and function are either unavailable or do not agree on the potential impact of this missense change. The variant allele was found at a frequency of 1.2e-05 in 248906 control chromosomes. The available data on variant occurrences in the general population are insufficient to allow any conclusion about variant significance. To our knowledge, no occurrence of c.8401T>C in individuals affected with Usher Syndrome and no experimental evidence demonstrating its impact on protein function have been reported. ClinVar contains an entry for this variant (Variation ID: 3779034). Based on the evidence outlined above, the variant was classified as uncertain significance.

Department of Pathology and Laboratory Medicine, Sinai Health System
Classification: Uncertain significance for Usher syndrome type 1. Last evaluated: 2021-07-30. Review status: criteria provided, single submitter. Criteria: ACMG Guidelines, 2015. Collection method: research. Allele origin: germline.

NM_022124.6(CDH23):c.8401T>C (p.Phe2801Leu)

Gene: CDH23 (cadherin related 23; plus strand). Cytogenetic location: 10q22.1.
Variant type: single nucleotide variant.
Coding change: c.8401T>C on transcript NM_022124.6 (MANE Select); coding-DNA position 8401, T replaced by C.
Protein change: p.Phe2801Leu; replaces phenylalanine 2801 with leucine.
Molecular consequence: missense variant.
Genome position (GRCh38, 1-based): chr10:71,807,608, T>C. VCF-style: chr10-71807608-T-C. GRCh37 (hg19) VCF-style: chr10-73567365-T-C.
Other names: c.1681T>C, p.Phe561Leu (NM_001171933.1, NM_001171934.1); short protein forms F2801L, F561L.
Identifiers: ClinVar variation 3779034 (VCV003779034.3).
Genomic context (GRCh38, chr10:71,807,608, plus strand): 5'-CCCGATGGGTGTCTGCTGGTGCTGCGGGACCTGGACCGGGAGCGAGAAGCCATCTTCTCC[T>C]TCATCGTCAAGGCCTCCAGCAATCGCAGCTGGACACCTCCCCGTGGACCCTCCCCAACCC-3'
Protein context (NP_071407.4, residues 2791-2811): LDREREAIFS[Phe2801Leu]IVKASSNRSW